The following is an entry in ClinVar:

NM_003072.5(SMARCA4):c.443G>C (p.Gly148Ala)

Gene: SMARCA4 (SWI/SNF related BAF chromatin remodeling complex subunit ATPase 4; plus strand). Cytogenetic location: 19p13.2.
Variant type: single nucleotide variant.
Coding change: c.443G>C on transcript NM_003072.5 (MANE Select); coding-DNA position 443, G replaced by C.
Protein change: p.Gly148Ala; replaces glycine 148 with alanine.
Molecular consequence: missense variant. On other transcripts: non-coding transcript variant (1).
Genome position (GRCh38, 1-based): chr19:10,986,276, G>C. VCF-style: chr19-10986276-G-C. GRCh37 (hg19) VCF-style: chr19-11096952-G-C.
Other names: c.443G>C, p.Gly148Ala (NM_001128844.3, NM_001128845.2, NM_001128846.2 and 6 more transcripts); c.443G>C (NM_001128849.1); short protein forms G148A.
Identifiers: ClinVar variation 1958937 (VCV001958937.8), dbSNP rs766946874, ClinGen allele CA404055968.
Genomic context (GRCh38, chr19:10,986,276, plus strand): 5'-AGCATGCCTCTAGTCCAGTTCCAGCCAGTGGCCCGTCTTCGGGGCCCCAGATGTCTTCCG[G>C]GCCAGGAGGTGCCCCGCTGGATGGTGCTGACCCCCAGGCCTTGGGGCAGCAGAACCGGGG-3'
Protein context (NP_003063.2, residues 138-158): GPSSGPQMSS[Gly148Ala]PGGAPLDGAD

ClinVar aggregate classification (germline): Uncertain significance. Review status: criteria provided, multiple submitters, no conflicts (2 of 4 stars). 2 submissions from 2 submitters: Uncertain significance (2). Last evaluated 2024-12-11.

Conditions:
Hereditary cancer-predisposing syndrome. Also called: Hereditary Cancer Syndrome; Hereditary neoplastic syndrome; Tumor predisposition; Neoplastic Syndromes, Hereditary. Identifiers: Orphanet 140162, MedGen C0027672, MeSH D009386, MONDO:0015356.
Rhabdoid tumor predisposition syndrome 2 (RTPS2). Identifiers: Orphanet 231108, Orphanet 69077, MedGen C2750074, MONDO:0013224, OMIM 613325.

Submissions (2):

Ambry Genetics
Classification: Uncertain significance for Hereditary cancer-predisposing syndrome. Last evaluated: 2024-12-11. Review status: criteria provided, single submitter. Criteria: Ambry Variant Classification Scheme 2023. Collection method: clinical testing. Allele origin: germline.
Comment: The p.G148A variant (also known as c.443G>C), located in coding exon 3 of the SMARCA4 gene, results from a G to C substitution at nucleotide position 443. The glycine at codon 148 is replaced by alanine, an amino acid with similar properties. This amino acid position is well conserved in available vertebrate species. In addition, the in silico prediction for this alteration is inconclusive. Based on the available evidence, the clinical significance of this variant remains unclear.

Labcorp Genetics (formerly Invitae), Labcorp
Classification: Uncertain significance for Rhabdoid tumor predisposition syndrome 2. Last evaluated: 2023-02-14. Review status: criteria provided, single submitter. Criteria: Invitae Variant Classification Sherloc (09022015). Collection method: clinical testing. Allele origin: germline.
Comment: This sequence change replaces glycine, which is neutral and non-polar, with alanine, which is neutral and non-polar, at codon 148 of the SMARCA4 protein (p.Gly148Ala). This variant is not present in population databases (gnomAD no frequency). This variant has not been reported in the literature in individuals affected with SMARCA4-related conditions. Advanced modeling of protein sequence and biophysical properties (such as structural, functional, and spatial information, amino acid conservation, physicochemical variation, residue mobility, and thermodynamic stability) performed at Invitae indicates that this missense variant is not expected to disrupt SMARCA4 protein function. In summary, the available evidence is currently insufficient to determine the role of this variant in disease. Therefore, it has been classified as a Variant of Uncertain Significance.